The following is an entry in ClinVar:

ClinVar aggregate classification (germline): Uncertain significance (1 of 4 stars; one submission).

Submission:

Labcorp Genetics (formerly Invitae), Labcorp
Classification: Uncertain significance. Last evaluated: 2024-04-02. Review status: criteria provided, single submitter. Criteria: Invitae Variant Classification Sherloc (09022015). Collection method: clinical testing. Allele origin: germline.
Comment: This sequence change falls in intron 3 of the PSMG2 gene. It does not directly change the encoded amino acid sequence of the PSMG2 protein. This variant is not present in population databases (gnomAD no frequency). This variant has not been reported in the literature in individuals affected with PSMG2-related conditions. Algorithms developed to predict the effect of sequence changes on RNA splicing suggest that this variant may disrupt the consensus splice site. In summary, the available evidence is currently insufficient to determine the role of this variant in disease. Therefore, it has been classified as a Variant of Uncertain Significance.

NM_020232.5(PSMG2):c.289-19C>A

Gene: PSMG2 (proteasome assembly chaperone 2; plus strand). Cytogenetic location: 18p11.21.
Variant type: single nucleotide variant.
Coding change: c.289-19C>A on transcript NM_020232.5 (MANE Select); 19 bases into the intron before coding-DNA position 289, C replaced by A.
Molecular consequence: intron variant.
Genome position (GRCh38, 1-based): chr18:12,718,498, C>A. VCF-style: chr18-12718498-C-A. GRCh37 (hg19) VCF-style: chr18-12718497-C-A.
Other names: c.196-19C>A (NM_147163.2).
Identifiers: ClinVar variation 2701585 (VCV002701585.3), dbSNP rs2510995178, ClinGen allele CA2576460700.